The following is an entry in ClinVar:

NM_001365276.2(TNXB):c.2312C>T (p.Pro771Leu)

Gene: TNXB (tenascin XB; minus strand). Cytogenetic location: 6p21.33.
Variant type: single nucleotide variant.
Coding change: c.2312C>T on transcript NM_001365276.2 (MANE Select); coding-DNA position 2312, C replaced by T.
Protein change: p.Pro771Leu; replaces proline 771 with leucine.
Molecular consequence: missense variant.
Genome position (GRCh38, 1-based): chr6:32,095,122, G>A on the plus strand (C>T on the coding strand, the complement: TNXB is on the minus strand). VCF-style: chr6-32095122-G-A. GRCh37 (hg19) VCF-style: chr6-32062899-G-A.
Other names: p.Pro771Leu; c.2312C>T, p.Pro771Leu (NM_019105.8); short protein forms P771L.
Identifiers: ClinVar variation 1789457 (VCV001789457.4), dbSNP rs199705832, ClinGen allele CA136905126.

ClinVar aggregate classification (germline): Uncertain significance. Review status: criteria provided, multiple submitters, no conflicts (2 of 4 stars). 2 submissions from 2 submitters: Uncertain significance (2). Last evaluated 2025-06-02.

Conditions:
Cardiovascular phenotype. Identifiers: MedGen CN230736.

gnomAD v4.1: 54 of 1,549,352 alleles (0.0035%); highest among the groups gnomAD compares: East Asian, 0.0049%; no homozygotes.

Submissions (2):

Mayo Clinic Laboratories, Mayo Clinic
Classification: Uncertain significance. Last evaluated: 2025-06-02. Review status: criteria provided, single submitter. Criteria: ACMG Guidelines, 2015. Collection method: clinical testing. Allele origin: germline. Observed: 1 variant allele.
Comment: PM2_supporting

Ambry Genetics
Classification: Uncertain significance for Cardiovascular phenotype. Last evaluated: 2024-08-19. Review status: criteria provided, single submitter. Criteria: Ambry Variant Classification Scheme 2023. Collection method: clinical testing. Allele origin: germline.
Comment: The p.P771L variant (also known as c.2312C>T), located in coding exon 3 of the TNXB gene, results from a C to T substitution at nucleotide position 2312. The proline at codon 771 is replaced by leucine, an amino acid with similar properties. This amino acid position is poorly conserved in available vertebrate species. In addition, this alteration is predicted to be tolerated by in silico analysis. Since supporting evidence is limited at this time, the clinical significance of this alteration remains unclear.